The following is an entry in ClinVar:

NM_000548.5(TSC2):c.2327A>G (p.Tyr776Cys)

Gene: TSC2 (TSC complex subunit 2; plus strand). Cytogenetic location: 16p13.3.
Variant type: single nucleotide variant.
Coding change: c.2327A>G on transcript NM_000548.5 (MANE Select); coding-DNA position 2327, A replaced by G.
Protein change: p.Tyr776Cys; replaces tyrosine 776 with cysteine.
Molecular consequence: missense variant.
Genome position (GRCh38, 1-based): chr16:2,072,955, A>G. VCF-style: chr16-2072955-A-G. GRCh37 (hg19) VCF-style: chr16-2122956-A-G.
Other names: c.2327A>G, p.Tyr776Cys (NM_001077183.3, NM_001114382.3, NM_001363528.2 and 3 more transcripts); c.2216A>G, p.Tyr739Cys (NM_001318827.2); c.2180A>G, p.Tyr727Cys (NM_001318829.2); c.1727A>G, p.Tyr576Cys (NM_001318831.2); c.2360A>G, p.Tyr787Cys (NM_001318832.2); short protein forms Y576C, Y776C, Y727C, Y739C, Y787C.
Identifiers: ClinVar variation 848136 (VCV000848136.9), dbSNP rs766382381, ClinGen allele CA038405.

ClinVar aggregate classification (germline): Conflicting classifications of pathogenicity. Review status: criteria provided, conflicting classifications (1 of 4 stars). 2 submissions from 2 submitters: Uncertain significance (1); Likely benign (1). Last evaluated 2026-07-09.

Conditions:
Hereditary cancer-predisposing syndrome. Also called: Tumor predisposition; Hereditary neoplastic syndrome; Neoplastic Syndromes, Hereditary; Hereditary Cancer Syndrome. Identifiers: Orphanet 140162, MedGen C0027672, MeSH D009386, MONDO:0015356.
Tuberous sclerosis 2 (TSC2). Identifiers: Orphanet 805, MedGen C1860707, MONDO:0013199, OMIM 613254.

Allele frequency attached by ClinVar (database versions not stated): gnomAD exomes 0.00001; ExAC 0.00001.
gnomAD v4.1: 7 of 1,613,560 alleles (0.00043%); highest among the groups gnomAD compares: South Asian, 0.0077%; no homozygotes.

Submissions (2):

Ambry Genetics
Classification: Uncertain significance for Hereditary cancer-predisposing syndrome. Last evaluated: 2026-07-09. Review status: criteria provided, single submitter. Criteria: Ambry Variant Classification Scheme 2023. Collection method: clinical testing. Allele origin: germline.
Comment: The p.Y776C variant (also known as c.2327A>G), located in coding exon 20 of the TSC2 gene, results from an A to G substitution at nucleotide position 2327. The tyrosine at codon 776 is replaced by cysteine, an amino acid with highly dissimilar properties. This amino acid position is conserved. In addition, this alteration is predicted to be deleterious by in silico analysis. Based on the available evidence, the clinical significance of this variant remains unclear.

Labcorp Genetics (formerly Invitae), Labcorp
Classification: Likely benign for Tuberous sclerosis 2. Last evaluated: 2025-06-13. Review status: criteria provided, single submitter. Criteria: Invitae Variant Classification Sherloc (09022015). Collection method: clinical testing. Allele origin: germline.